The following is an entry in ClinVar:

ClinVar aggregate classification (germline): Likely benign (1 of 4 stars; one submission).

Allele frequency attached by ClinVar (database versions not stated): gnomAD 0.00001; TOPMed 0.00002.

Submission:

GeneDx
Classification: Likely benign. Last evaluated: 2023-11-16. Review status: criteria provided, single submitter. Criteria: GeneDx Variant Classification Process June 2021. Collection method: clinical testing. Allele origin: germline. Affected: yes.
Comment: See Variant Classification Assertion Criteria.

NM_000368.5(TSC1):c.2625+419G>T

Gene: TSC1 (TSC complex subunit 1; minus strand). Cytogenetic location: 9q34.13.
Variant type: single nucleotide variant.
Coding change: c.2625+419G>T on transcript NM_000368.5 (MANE Select); 419 bases into the intron after coding-DNA position 2625, G replaced by T.
Molecular consequence: intron variant.
Genome position (GRCh38, 1-based): chr9:132,900,296, C>A on the plus strand (G>T on the coding strand, the complement: TSC1 is on the minus strand). VCF-style: chr9-132900296-C-A. GRCh37 (hg19) VCF-style: chr9-135775683-C-A.
Other names: c.2259+419G>T (NM_001406620.1, NM_001406621.1, NM_001406622.1 and 1 more transcripts); c.2262+419G>T (NM_001406618.1, NM_001406617.1, NM_001406619.1 and 4 more transcripts); c.2217+419G>T (NM_001406625.1); c.2427+419G>T (NM_001406613.1); c.2469+419G>T (NM_001406612.1, NM_001406611.1); c.2472+419G>T (NM_001406610.1, NM_001162427.2); c.1671+419G>T (NM_001406627.1, NM_001406628.1); c.1572+419G>T (NM_001406629.1, NM_001406630.1); and 8 more.
Identifiers: ClinVar variation 3253335 (VCV003253335.1), dbSNP rs1359762164.